The following is an entry in ClinVar:

NM_003036.4(SKI):c.173C>G (p.Ala58Gly)

Gene: SKI (SKI proto-oncogene; plus strand). Cytogenetic location: 1p36.33.
Variant type: single nucleotide variant.
Coding change: c.173C>G on transcript NM_003036.4 (MANE Select); coding-DNA position 173, C replaced by G.
Protein change: p.Ala58Gly; replaces alanine 58 with glycine.
Molecular consequence: missense variant.
Genome position (GRCh38, 1-based): chr1:2,228,939, C>G. VCF-style: chr1-2228939-C-G. GRCh37 (hg19) VCF-style: chr1-2160378-C-G.
Other names: c.173C>G (NM_003036.3); short protein forms A58G.
Identifiers: ClinVar variation 1366996 (VCV001366996.7), dbSNP rs1638564960, ClinGen allele CA337952249.
Genomic context (GRCh38, chr1:2,228,939, plus strand): 5'-TCTCGGCGCGCTGGGCGCAGGAGGCCTACAAGAAGGAGAGCGCCAAGGAGGCGGGCGCGG[C>G]CGCGGTGCCGGCGCCGGTGCCCGCAGCCACCGAGCCGCCGCCCGTGCTGCACCTGCCCGC-3'
Protein context (NP_003027.1, residues 48-68): KKESAKEAGA[Ala58Gly]AVPAPVPAAT

ClinVar aggregate classification (germline): Uncertain significance. Review status: criteria provided, multiple submitters, no conflicts (2 of 4 stars). 2 submissions from 2 submitters: Uncertain significance (2). Last evaluated 2026-01-17.

Conditions:
Shprintzen-Goldberg syndrome (SGS). Also called: SHPRINTZEN-GOLDBERG CRANIOSYNOSTOSIS SYNDROME; CRANIOSYNOSTOSIS WITH ARACHNODACTYLY AND ABDOMINAL HERNIAS; Marfanoid disorder with craniosynostosis type 1; Marfanoid craniosynostosis syndrome; Shprintzen-Goldberg marfanoid syndrome. Identifiers: Orphanet 2462, MedGen C1321551, MONDO:0008426, OMIM 182212.
Familial thoracic aortic aneurysm and aortic dissection (TAAD). Also called: Thoracic aortic aneurysms and dissections. Identifiers: Orphanet 91387, MedGen C4707243, MONDO:0019625.

Allele frequency attached by ClinVar (database versions not stated): gnomAD 0.00001; gnomAD exomes 0.00001; TOPMed below 0.00001.

Submissions (2):

Ambry Genetics
Classification: Uncertain significance for Familial thoracic aortic aneurysm and aortic dissection. Last evaluated: 2026-01-17. Review status: criteria provided, single submitter. Criteria: Ambry Variant Classification Scheme 2023. Collection method: clinical testing. Allele origin: germline.
Comment: The p.A58G variant (also known as c.173C>G), located in coding exon 1 of the SKI gene, results from a C to G substitution at nucleotide position 173. The alanine at codon 58 is replaced by glycine, an amino acid with similar properties. This amino acid position is conserved. In addition, the in silico prediction for this alteration is inconclusive. Based on the available evidence, the clinical significance of this variant remains unclear.

Labcorp Genetics (formerly Invitae), Labcorp
Classification: Uncertain significance for Shprintzen-Goldberg syndrome. Last evaluated: 2025-11-28. Review status: criteria provided, single submitter. Criteria: Invitae Variant Classification Sherloc (09022015). Collection method: clinical testing. Allele origin: germline.
Comment: This sequence change replaces alanine, which is neutral and non-polar, with glycine, which is neutral and non-polar, at codon 58 of the SKI protein (p.Ala58Gly). This variant is not present in population databases (gnomAD no frequency). This variant has not been reported in the literature in individuals affected with SKI-related conditions. ClinVar contains an entry for this variant (Variation ID: 1366996). Invitae Evidence Modeling of protein sequence and biophysical properties (such as structural, functional, and spatial information, amino acid conservation, physicochemical variation, residue mobility, and thermodynamic stability) indicates that this missense variant is not expected to disrupt SKI protein function with a negative predictive value of 95%. In summary, the available evidence is currently insufficient to determine the role of this variant in disease. Therefore, it has been classified as a Variant of Uncertain Significance.